The following is an entry in ClinVar:

NM_016343.4(CENPF):c.4999C>T (p.Arg1667Ter)

Gene: CENPF (centromere protein F; plus strand). Cytogenetic location: 1q41.
Variant type: single nucleotide variant.
Coding change: c.4999C>T on transcript NM_016343.4 (MANE Select); coding-DNA position 4999, C replaced by T.
Protein change: p.Arg1667Ter; replaces arginine 1667 with a stop codon.
Molecular consequence: nonsense.
Genome position (GRCh38, 1-based): chr1:214,644,569, C>T. VCF-style: chr1-214644569-C-T. GRCh37 (hg19) VCF-style: chr1-214817912-C-T.
Other names: short protein forms R1667*.
Identifiers: ClinVar variation 1029443 (VCV001029443.5), dbSNP rs375014198, ClinGen allele CA1390710.

ClinVar aggregate classification (germline): Pathogenic/Likely pathogenic. Review status: criteria provided, multiple submitters, no conflicts (2 of 4 stars). 5 submissions from 5 submitters: Pathogenic (2); Likely pathogenic (3). Last evaluated 2025-06-10.

Conditions:
Stromme syndrome (STROMS). Also called: Strømme Syndrome; APPLE PEEL SYNDROME WITH MICROCEPHALY AND OCULAR ANOMALIES; Ciliary dyskinesia, primary, 31. Identifiers: Orphanet 444069, Orphanet 506307, MedGen C1855705, MONDO:0009477, OMIM 243605.
CENPF-related disorder. Also called: CENPF-related condition.
Neurodevelopmental delay. Identifiers: MedGen C4022738, HP:0012758.

Allele frequency attached by ClinVar (database versions not stated): gnomAD 0.00008; gnomAD exomes 0.00006; ExAC 0.00008; TOPMed 0.00004; ESP Exome Variant Server 0.00015.
gnomAD v4.1: 92 of 1,590,114 alleles (0.0058%); highest among the groups gnomAD compares: South Asian, 0.0091%; no homozygotes.

Submissions (5):

GeneDx
Classification: Pathogenic. Last evaluated: 2025-06-10. Review status: criteria provided, single submitter. Criteria: GeneDx Variant Classification Process June 2021. Collection method: clinical testing. Allele origin: germline. Affected: yes.
Comment: Nonsense variant predicted to result in protein truncation or nonsense mediated decay in a gene for which loss-of-function is a known mechanism of disease; Not observed at significant frequency in large population cohorts (gnomAD); Has not been previously published as pathogenic or benign to our knowledge

PreventionGenetics, part of Exact Sciences
Classification: Likely pathogenic for CENPF-related condition. Last evaluated: 2025-03-29. Review status: criteria provided, single submitter. Criteria: ACMG Guidelines, 2015. Collection method: clinical testing. Allele origin: germline.
Comment: The CENPF c.4999C>T variant is predicted to result in premature protein termination (p.Arg1667*). To our knowledge, this variant has not been reported in any affected individuals in the literature. This variant is reported in 0.014% of alleles in individuals of South Asian descent in gnomAD. Nonsense variants in CENPF are expected to be pathogenic. This variant is interpreted as likely pathogenic.

Baylor Genetics
Classification: Likely pathogenic for Stromme syndrome. Last evaluated: 2019-12-30. Review status: criteria provided, single submitter. Criteria: ACMG Guidelines, 2015. Collection method: clinical testing. Allele origin: unknown. Affected: yes.
Comment: This variant was determined to be likely pathogenic according to ACMG Guidelines, 2015 [PMID:25741868].

Centre de Biologie Pathologie Génétique, Centre Hospitalier Universitaire de Lille
Classification: Pathogenic for Neurodevelopmental delay. Review status: criteria provided, single submitter. Criteria: ACMG Guidelines, 2015. Collection method: clinical testing. Allele origin: biparental. Affected: yes.

Neuberg Centre For Genomic Medicine, NCGM
Classification: Likely pathogenic for Stromme syndrome. Review status: criteria provided, single submitter. Criteria: ACMG Guidelines, 2015. Collection method: clinical testing. Allele origin: germline. Inheritance: Autosomal recessive inheritance. Affected: yes.
Comment: The stop gained c.4999C>T (p.Arg1667Ter) variant in CENPF gene has not been reported previously as a pathogenic variant nor as a benign variant, to our knowledge. The p.Arg1667Ter variant is novel (not in any individuals) in gnomAD Exomes and in 1000 Genomes. The nucleotide change in CENPF is predicted as conserved by GERP++ and PhyloP across 100 vertebrates. This variant is predicted to cause loss of normal protein function through protein truncation. Loss of function variants have been previously reported to be disease causing. For these reasons, this variant has been classified as Likely Pathogenic.